The following is an entry in ClinVar:

NM_001379500.1(COL18A1):c.1965A>T (p.Glu655Asp)

Gene: COL18A1 (collagen type XVIII alpha 1 chain; plus strand). Cytogenetic location: 21q22.3.
Variant type: single nucleotide variant.
Coding change: c.1965A>T on transcript NM_001379500.1 (MANE Select); coding-DNA position 1965, A replaced by T.
Protein change: p.Glu655Asp; replaces glutamic acid 655 with aspartic acid.
Molecular consequence: missense variant.
Genome position (GRCh38, 1-based): chr21:45,490,280, A>T. VCF-style: chr21-45490280-A-T. GRCh37 (hg19) VCF-style: chr21-46910194-A-T.
Other names: c.2505A>T, p.Glu835Asp (NM_030582.4); c.3210A>T, p.Glu1070Asp (NM_130444.3); short protein forms E655D, E835D, E1070D.
Identifiers: ClinVar variation 1464553 (VCV001464553.7), dbSNP rs2036270496, ClinGen allele CA410496702.

ClinVar aggregate classification (germline): Uncertain significance (1 of 4 stars; one submission).

Allele frequency attached by ClinVar (database versions not stated): TOPMed below 0.00001.
gnomAD v4.1: 1 of 1,582,498 alleles (0.000063%); highest among the groups gnomAD compares: Admixed American, 0.0018%; no homozygotes.

Submission:

Labcorp Genetics (formerly Invitae), Labcorp
Classification: Uncertain significance. Last evaluated: 2022-03-10. Review status: criteria provided, single submitter. Criteria: Invitae Variant Classification Sherloc (09022015). Collection method: clinical testing. Allele origin: germline.
Comment: This sequence change replaces glutamic acid, which is acidic and polar, with aspartic acid, which is acidic and polar, at codon 655 of the COL18A1 protein (p.Glu655Asp). This variant is not present in population databases (gnomAD no frequency). Experimental studies and prediction algorithms are not available or were not evaluated, and the functional significance of this variant is currently unknown. In summary, the available evidence is currently insufficient to determine the role of this variant in disease. Therefore, it has been classified as a Variant of Uncertain Significance. This variant has not been reported in the literature in individuals affected with COL18A1-related conditions.